The following is an entry in ClinVar:

NM_002386.4(MC1R):c.761G>A (p.Trp254Ter)

Gene: MC1R (melanocortin 1 receptor; plus strand). Cytogenetic location: 16q24.3.
Variant type: single nucleotide variant.
Coding change: c.761G>A on transcript NM_002386.4 (MANE Select); coding-DNA position 761, G replaced by A.
Protein change: p.Trp254Ter; replaces tryptophan 254 with a stop codon.
Molecular consequence: nonsense.
Genome position (GRCh38, 1-based): chr16:89,920,019, G>A. VCF-style: chr16-89920019-G-A. GRCh37 (hg19) VCF-style: chr16-89986427-G-A.
Other names: short protein forms W254*.
Identifiers: ClinVar variation 1403887 (VCV001403887.6), dbSNP rs924429375, ClinGen allele CA286607641.
Genomic context (GRCh38, chr16:89,920,019, plus strand): 5'-GCTTTGGCCTTAAAGGCGCTGTCACCCTCACCATCCTGCTGGGCATTTTCTTCCTCTGCT[G>A]GGGCCCCTTCTTCCTGCATCTCACACTCATCGTCCTCTGCCCCGAGCACCCCACGTGCGG-3'

ClinVar aggregate classification (germline): Uncertain significance (1 of 4 stars; one submission).

Conditions:
Melanoma, cutaneous malignant, susceptibility to, 5. Also called: Cutaneous malignant melanoma 5. Identifiers: Orphanet 618, MedGen C2751295, MONDO:0013133, OMIM 613099.

Allele frequency attached by ClinVar (database versions not stated): gnomAD 0.00001.
gnomAD v4.1: 2 of 1,613,504 alleles (0.00012%); highest among the groups gnomAD compares: Admixed American, 0.0017%; no homozygotes.

Submission:

Labcorp Genetics (formerly Invitae), Labcorp
Classification: Uncertain significance for Melanoma, cutaneous malignant, susceptibility to, 5. Last evaluated: 2021-11-09. Review status: criteria provided, single submitter. Criteria: Invitae Variant Classification Sherloc (09022015). Collection method: clinical testing. Allele origin: germline.
Comment: This variant is present in population databases (no rsID available, gnomAD 0.1%). In summary, the available evidence is currently insufficient to determine the role of this variant in disease. Therefore, it has been classified as a Variant of Uncertain Significance. Experimental studies and prediction algorithms are not available or were not evaluated, and the functional significance of this variant is currently unknown. This variant has not been reported in the literature in individuals affected with MC1R-related conditions. This sequence change creates a premature translational stop signal (p.Trp254*) in the MC1R gene. While this is not anticipated to result in nonsense mediated decay, it is expected to disrupt the last 64 amino acid(s) of the MC1R protein.